The following is an entry in ClinVar:

NM_005876.5(SPEG):c.3596T>G (p.Val1199Gly)

Gene: SPEG (striated muscle enriched protein kinase; plus strand). Cytogenetic location: 2q35.
Variant type: single nucleotide variant.
Coding change: c.3596T>G on transcript NM_005876.5 (MANE Select); coding-DNA position 3596, T replaced by G.
Protein change: p.Val1199Gly; replaces valine 1199 with glycine.
Molecular consequence: missense variant.
Genome position (GRCh38, 1-based): chr2:219,469,260, T>G. VCF-style: chr2-219469260-T-G. GRCh37 (hg19) VCF-style: chr2-220333982-T-G.
Other names: short protein forms V1199G.
Identifiers: ClinVar variation 1307455 (VCV001307455.2), dbSNP rs1575123096, ClinGen allele CA350748896.
Genomic context (GRCh38, chr2:219,469,260, plus strand): 5'-AGGGTGAGCTGGAGCGGCTGTCCATTCCTGACTTCCTGCGGCCACTGCAGGACCTGGAGG[T>G]GGGACTGGCCAAGGAGGCCATGCTAGAGTGCCAGGTGACCGGCCTGCCCTACCCCACCAT-3'
Protein context (NP_005867.3, residues 1189-1209): DFLRPLQDLE[Val1199Gly]GLAKEAMLEC

ClinVar aggregate classification (germline): Uncertain significance (1 of 4 stars; one submission).

Allele frequency attached by ClinVar (database versions not stated): gnomAD exomes below 0.00001.
gnomAD v4.1: 1 of 1,613,562 alleles (0.000062%); highest among the groups gnomAD compares: Non-Finnish European, 0.000085%; no homozygotes.

Submission:

GeneDx
Classification: Uncertain significance. Last evaluated: 2019-08-12. Review status: criteria provided, single submitter. Criteria: GeneDx Variant Classification Process June 2021. Collection method: clinical testing. Allele origin: germline. Affected: yes.
Comment: Not observed in large population cohorts (Lek et al., 2016); In silico analysis, which includes protein predictors and evolutionary conservation, supports a deleterious effect; Has not been previously published as pathogenic or benign to our knowledge